The following is an entry in ClinVar:

ClinVar aggregate classification (germline): Likely benign. Review status: criteria provided, multiple submitters, no conflicts (2 of 4 stars). 2 submissions from 2 submitters: Likely benign (2). Last evaluated 2023-03-01.

Allele frequency attached by ClinVar (database versions not stated): gnomAD exomes below 0.00001; ExAC 0.00002; gnomAD 0.00004; TOPMed 0.00004; ESP Exome Variant Server 0.00016.
gnomAD v4.1: 10 of 1,613,004 alleles (0.00062%); highest among the groups gnomAD compares: African/African-American, 0.011%; no homozygotes.

Submissions (2):

CeGaT Center for Human Genetics Tuebingen
Classification: Likely benign. Last evaluated: 2023-03-01. Review status: criteria provided, single submitter. Criteria: CeGaT Center For Human Genetics Tuebingen Variant Classification Criteria Version 2. Collection method: clinical testing. Allele origin: germline. Affected: yes. Observed: 1 variant allele.
Comment: DOCK6: BP4, BP7

Labcorp Genetics (formerly Invitae), Labcorp
Classification: Likely benign. Last evaluated: 2022-09-07. Review status: criteria provided, single submitter. Criteria: Invitae Variant Classification Sherloc (09022015). Collection method: clinical testing. Allele origin: germline.

NM_020812.4(DOCK6):c.3831A>G (p.Thr1277=)

Genes: DOCK6 (dedicator of cytokinesis 6; minus strand), DOCK6-AS1 (DOCK6 antisense RNA 1; plus strand). Cytogenetic location: 19p13.2.
Variant type: single nucleotide variant.
Coding change: c.3831A>G on transcript NM_020812.4 (MANE Select); coding-DNA position 3831, A replaced by G.
Protein change: p.Thr1277=; no amino-acid change (threonine 1277 retained).
Molecular consequence: synonymous variant.
Genome position (GRCh38, 1-based): chr19:11,216,977, T>C on the plus strand (A>G on the coding strand, the complement: DOCK6 is on the minus strand). VCF-style: chr19-11216977-T-C. GRCh37 (hg19) VCF-style: chr19-11327653-T-C.
Other names: c.3936A>G, p.Thr1312= (NM_001367830.1).
Identifiers: ClinVar variation 1923304 (VCV001923304.29), dbSNP rs36003864, ClinGen allele CA9207115.